The following is an entry in ClinVar:

ClinVar aggregate classification (germline): Benign/Likely benign. Review status: criteria provided, multiple submitters, no conflicts (2 of 4 stars). 9 submissions from 9 submitters: Benign (4); Likely benign (2). 3 of the submissions do not count toward it. Last evaluated 2026-02-04.

Conditions:
Hypophosphatasia. Also called: Phosphoethanol-aminuria. Identifiers: Orphanet 436, MedGen C0020630, MeSH D007014, MONDO:0018570.
Infantile hypophosphatasia. Identifiers: Orphanet 247651, Orphanet 436, MedGen C0268412, MONDO:1010169, OMIM 241500, MONDO:0009427.

Allele frequency attached by ClinVar (database versions not stated): 1000 Genomes Project 0.00998; 1000 Genomes Project 30x 0.01015; gnomAD exomes 0.02175 and 0.03008; gnomAD 0.02227; TOPMed 0.02237; ExAC 0.02254; ESP Exome Variant Server 0.02591.

Submissions (9):

Labcorp Genetics (formerly Invitae), Labcorp
Classification: Benign. Last evaluated: 2026-02-04. Review status: criteria provided, single submitter. Criteria: Invitae Variant Classification Sherloc (09022015). Collection method: clinical testing. Allele origin: germline.

Genomenon, Inc
Classification: Benign for Hypophosphatasia. Last evaluated: 2025-08-29. Review status: criteria provided, single submitter. Criteria: Genomenon Sequence Variant Interpretation Standards. Collection method: curation. Allele origin: germline. Affected: no.
Comment: ALPL c.1189+19G>T is an intronic variant located in intron 10. This variant has been reported in the published literature (PMID:34097127;27777120). This variant is present at high allele frequency in population databases. In conclusion, we classify ALPL c.1189+19G>T as a benign variant.

Blueprint Genetics
Classification: Benign. Last evaluated: 2024-11-26. Review status: criteria provided, single submitter. Criteria: ACMG Guidelines, 2015. Collection method: clinical testing. Allele origin: germline.

GeneDx
Classification: Likely benign. Last evaluated: 2018-08-09. Review status: criteria provided, single submitter. Criteria: GeneDx Variant Classification Process June 2021. Collection method: clinical testing. Allele origin: germline. Affected: yes.

Breakthrough Genomics
Classification: Likely benign. Review status: criteria provided, single submitter. Criteria: ACMG Guidelines, 2015. Collection method: not provided. Allele origin: germline. Inheritance: Autosomal recessive inheritance. Affected: yes.

PreventionGenetics, part of Exact Sciences
Classification: Benign. Review status: criteria provided, single submitter. Criteria: ACMG Guidelines, 2015. Collection method: clinical testing. Allele origin: germline.

Counsyl
Classification: Likely benign for Infantile hypophosphatasia. Last evaluated: 2017-12-19. Review status: no assertion criteria provided. Collection method: clinical testing. Allele origin: unknown. Not counted in ClinVar's aggregate classification.

Clinical Genetics DNA and cytogenetics Diagnostics Lab, Erasmus MC, Erasmus Medical Center
Classification: Benign. Review status: no assertion criteria provided. Collection method: clinical testing. Allele origin: germline. Affected: yes. Study: VKGL Data-share Consensus. Not counted in ClinVar's aggregate classification.

Genome Diagnostics Laboratory, Amsterdam University Medical Center
Classification: Benign. Review status: no assertion criteria provided. Collection method: clinical testing. Allele origin: germline. Affected: yes. Study: VKGL Data-share Consensus. Not counted in ClinVar's aggregate classification.

Literature cited by the submitters: PubMed 34097127 (cited by Genomenon, Inc); PubMed 27777120 (cited by Genomenon, Inc).

NM_000478.6(ALPL):c.1189+19G>T

Gene: ALPL (alkaline phosphatase, biomineralization associated; plus strand). Cytogenetic location: 1p36.12.
Variant type: single nucleotide variant.
Coding change: c.1189+19G>T on transcript NM_000478.6 (MANE Select); 19 bases into the intron after coding-DNA position 1189, G replaced by T.
Molecular consequence: intron variant.
Genome position (GRCh38, 1-based): chr1:21,575,943, G>T. VCF-style: chr1-21575943-G-T. GRCh37 (hg19) VCF-style: chr1-21902436-G-T.
Other names: c.1189+19G>T (NM_001369805.2, NM_001369804.2, NM_001369803.2); c.1024+19G>T (NM_001127501.4); c.958+19G>T (NM_001177520.3).
Identifiers: ClinVar variation 256226 (VCV000256226.18), dbSNP rs61778393, ClinGen allele CA666759.